The following is an entry in ClinVar:

NM_000038.6(APC):c.2845A>T (p.Met949Leu)

Gene: APC (APC regulator of Wnt signaling pathway; plus strand). Cytogenetic location: 5q22.2.
Variant type: single nucleotide variant.
Coding change: c.2845A>T on transcript NM_000038.6 (MANE Select); coding-DNA position 2845, A replaced by T.
Protein change: p.Met949Leu; replaces methionine 949 with leucine.
Molecular consequence: missense variant.
Genome position (GRCh38, 1-based): chr5:112,838,439, A>T. VCF-style: chr5-112838439-A-T. GRCh37 (hg19) VCF-style: chr5-112174136-A-T.
Other names: c.2845A>T, p.Met949Leu (NM_001127510.3, NM_001354895.2); c.2791A>T, p.Met931Leu (NM_001127511.3); c.2899A>T, p.Met967Leu (NM_001354896.2); c.2875A>T, p.Met959Leu (NM_001354897.2); c.2770A>T, p.Met924Leu (NM_001354898.2); c.2761A>T, p.Met921Leu (NM_001354899.2); c.2722A>T, p.Met908Leu (NM_001354900.2); c.2668A>T, p.Met890Leu (NM_001354901.2); and 5 more; short protein forms M931L, M949L, M666L, M848L, M858L, M967L, M789L, M823L.
Identifiers: ClinVar variation 537559 (VCV000537559.17), dbSNP rs587781348, ClinGen allele CA16027536.

ClinVar aggregate classification (germline): Uncertain significance. Review status: criteria provided, multiple submitters, no conflicts (2 of 4 stars). 3 submissions from 3 submitters: Uncertain significance (3). Last evaluated 2024-02-22.

Conditions:
Classic or attenuated familial adenomatous polyposis. Identifiers: MedGen CN372698, MONDO:0021057.
Hereditary cancer-predisposing syndrome. Also called: Tumor predisposition; Hereditary Cancer Syndrome; Hereditary neoplastic syndrome; Neoplastic Syndromes, Hereditary. Identifiers: Orphanet 140162, MedGen C0027672, MeSH D009386, MONDO:0015356.
Familial adenomatous polyposis 1 (FAP1). Also called: FAMILIAL ADENOMATOUS POLYPOSIS 1, ATTENUATED; POLYPOSIS, ADENOMATOUS INTESTINAL. Identifiers: MedGen C2713442, MONDO:0021056, OMIM 175100. Disease mechanism: loss of function.

gnomAD v4.1: 1 of 1,614,116 alleles (0.000062%); highest among the groups gnomAD compares: Non-Finnish European, 0.000085%; no homozygotes.

Submissions (3):

All of Us Research Program, National Institutes of Health
Classification: Uncertain significance for Classic or attenuated familial adenomatous polyposis. Last evaluated: 2024-02-22. Review status: criteria provided, single submitter. Criteria: ACMG Guidelines, 2015. Collection method: clinical testing. Allele origin: germline. Inheritance: Autosomal dominant inheritance. Observed: 1 variant allele, 1 heterozygote.
Comment: This missense variant replaces methionine with leucine at codon 949 of the APC protein. Computational prediction suggests that this variant may not impact protein structure and function (internally defined REVEL score threshold <= 0.5, PMID: 27666373). To our knowledge, functional studies have not been reported for this variant. This variant has not been reported in individuals affected with APC-related disorders in the literature. This variant has not been identified in the general population by the Genome Aggregation Database (gnomAD). The available evidence is insufficient to determine the role of this variant in disease conclusively. Therefore, this variant is classified as a Variant of Uncertain Significance.

This study involves interpretation of variants in research participants for the purpose of population health screening. Participant phenotype was not available at the time of variant classification. Additional details can be found in publication PMID: 35346344, PMCID: PMC8962531

Ambry Genetics
Classification: Uncertain significance for Hereditary cancer-predisposing syndrome. Last evaluated: 2023-08-15. Review status: criteria provided, single submitter. Criteria: Ambry Variant Classification Scheme 2023. Collection method: clinical testing. Allele origin: germline.
Comment: The p.M949L variant (also known as c.2845A>T), located in coding exon 15 of the APC gene, results from an A to T substitution at nucleotide position 2845. The methionine at codon 949 is replaced by leucine, an amino acid with highly similar properties. This amino acid position is not well conserved in available vertebrate species. In addition, in silico predictors for this gene do not accurately predict pathogenicity. Since supporting evidence is limited at this time, the clinical significance of this alteration remains unclear.

Labcorp Genetics (formerly Invitae), Labcorp
Classification: Uncertain significance for Familial adenomatous polyposis 1. Last evaluated: 2023-07-28. Review status: criteria provided, single submitter. Criteria: Invitae Variant Classification Sherloc (09022015). Collection method: clinical testing. Allele origin: germline.
Comment: This variant has not been reported in the literature in individuals affected with APC-related conditions. ClinVar contains an entry for this variant (Variation ID: 537559). Advanced modeling of protein sequence and biophysical properties (such as structural, functional, and spatial information, amino acid conservation, physicochemical variation, residue mobility, and thermodynamic stability) performed at Invitae indicates that this missense variant is not expected to disrupt APC protein function. In summary, the available evidence is currently insufficient to determine the role of this variant in disease. Therefore, it has been classified as a Variant of Uncertain Significance. This variant is not present in population databases (gnomAD no frequency). This sequence change replaces methionine, which is neutral and non-polar, with leucine, which is neutral and non-polar, at codon 949 of the APC protein (p.Met949Leu).